The following is an entry in ClinVar:

NM_138576.4(BCL11B):c.1138G>A (p.Val380Met)

Gene: BCL11B (BCL11 transcription factor B; minus strand). Cytogenetic location: 14q32.2.
Variant type: single nucleotide variant.
Coding change: c.1138G>A on transcript NM_138576.4 (MANE Select); coding-DNA position 1138, G replaced by A.
Protein change: p.Val380Met; replaces valine 380 with methionine.
Molecular consequence: missense variant.
Genome position (GRCh38, 1-based): chr14:99,175,698, C>T on the plus strand (G>A on the coding strand, the complement: BCL11B is on the minus strand). VCF-style: chr14-99175698-C-T. GRCh37 (hg19) VCF-style: chr14-99642035-C-T.
Other names: c.1135G>A, p.Val379Met (NM_001282237.2); c.922G>A, p.Val308Met (NM_001282238.2); c.925G>A, p.Val309Met (NM_022898.3); short protein forms V308M, V379M, V309M, V380M.
Identifiers: ClinVar variation 4777449 (VCV004777449.1).
Genomic context (GRCh38, chr14:99,175,698, plus strand): 5'-TGGGGCTGGGCTGGAAGGGGTTCAGGAGCCGGTGCATAGGGTTGCCGCGGCCCGGGGACA[C>T]GGGCGGCGGCGTGGAGCTGTTGCCCGCCAGCTCGCGGAGCCGCCGCGAGAAGTCCATGGC-3'
Protein context (NP_612808.1, residues 370-390): LAGNSSTPPP[Val380Met]SPGRGNPMHR

ClinVar aggregate classification (germline): Uncertain significance (1 of 4 stars; one submission).

gnomAD v4.1: 2 of 1,508,236 alleles (0.00013%); highest among the groups gnomAD compares: South Asian, 0.0013%; no homozygotes.

Submission:

Labcorp Genetics (formerly Invitae), Labcorp
Classification: Uncertain significance. Last evaluated: 2025-11-19. Review status: criteria provided, single submitter. Criteria: Invitae Variant Classification Sherloc (09022015). Collection method: clinical testing. Allele origin: germline.
Comment: This sequence change replaces valine, which is neutral and non-polar, with methionine, which is neutral and non-polar, at codon 380 of the BCL11B protein (p.Val380Met). This variant is not present in population databases (gnomAD no frequency). This variant has not been reported in the literature in individuals affected with BCL11B-related conditions. Invitae Evidence Modeling of protein sequence and biophysical properties (such as structural, functional, and spatial information, amino acid conservation, physicochemical variation, residue mobility, and thermodynamic stability) indicates that this missense variant is not expected to disrupt BCL11B protein function with a negative predictive value of 95%. In summary, the available evidence is currently insufficient to determine the role of this variant in disease. Therefore, it has been classified as a Variant of Uncertain Significance.